The following is an entry in ClinVar:

ClinVar aggregate classification (germline): Likely benign (1 of 4 stars; one submission).

Conditions:
Medulloblastoma (MDB). Also called: Medulloblastoma, somatic; MEDULLOBLASTOMA PREDISPOSITION SYNDROME. Identifiers: Orphanet 616, MedGen C0025149, MeSH D008527, MONDO:0007959, OMIM 155255, HP:0002885.

Allele frequency attached by ClinVar (database versions not stated): TOPMed 0.00014; gnomAD 0.00019; gnomAD exomes 0.00038; 1000 Genomes Project 0.00080; 1000 Genomes Project 30x 0.00094.
gnomAD v4.1: 76 of 233,334 alleles (0.033%); highest among the groups gnomAD compares: South Asian, 0.36%; no homozygotes.

Submission:

Illumina Laboratory Services, Illumina
Classification: Likely benign for Medulloblastoma. Last evaluated: 2018-01-13. Review status: criteria provided, single submitter. Criteria: ICSL Variant Classification Criteria 13 December 2019. Collection method: clinical testing. Allele origin: germline.
Comment: This variant was observed in the ICSL laboratory as part of a predisposition screen in an ostensibly healthy population. It had not been previously curated by ICSL or reported in the Human Gene Mutation Database (HGMD: prior to June 1st, 2018), and was therefore a candidate for classification through an automated scoring system. Utilizing variant allele frequency, disease prevalence and penetrance estimates, and inheritance mode, an automated score was calculated to assess if this variant is too frequent to cause the disease. Based on the score and internal cut-off values, a variant classified as likely benign is not then subjected to further curation. The score for this variant resulted in a classification of likely benign for this disease.

NM_016169.4(SUFU):c.*2140G>T

Gene: SUFU (SUFU negative regulator of hedgehog signaling; plus strand). Cytogenetic location: 10q24.32.
Variant type: single nucleotide variant.
Coding change: c.*2140G>T on transcript NM_016169.4 (MANE Select); 2140 bases downstream of the stop codon, G replaced by T.
Molecular consequence: 3 prime UTR variant.
Genome position (GRCh38, 1-based): chr10:102,632,295, G>T. VCF-style: chr10-102632295-G-T. GRCh37 (hg19) VCF-style: chr10-104392052-G-T.
Identifiers: ClinVar variation 298598 (VCV000298598.5), dbSNP rs543282016, ClinGen allele CA10634797.